The following is an entry in ClinVar:

NM_001042631.3(SDHAF1):c.138C>T (p.Asp46=)

Gene: SDHAF1 (succinate dehydrogenase complex assembly factor 1; plus strand). Cytogenetic location: 19q13.12.
Variant type: single nucleotide variant.
Coding change: c.138C>T on transcript NM_001042631.3 (MANE Select); coding-DNA position 138, C replaced by T.
Protein change: p.Asp46=; no amino-acid change (aspartic acid 46 retained).
Molecular consequence: synonymous variant.
Genome position (GRCh38, 1-based): chr19:35,995,412, C>T. VCF-style: chr19-35995412-C-T. GRCh37 (hg19) VCF-style: chr19-36486314-C-T.
Identifiers: ClinVar variation 4706031 (VCV004706031.1).
Genomic context (GRCh38, chr19:35,995,412, plus strand): 5'-GGGCGCCGAGGCGCGAGTGCGGGCAGAGTTCCGGCAGCATGCGGGCCTGCCGCGGTCCGA[C>T]GTGCTGCGCATCGAGTACCTGTACCGCCGCGGGCGGCGCCAGCTGCAGCTGCTACGCTCG-3'
Protein context (NP_001036096.2, residues 36-56): FRQHAGLPRS[Asp46=]VLRIEYLYRR

ClinVar aggregate classification (germline): Uncertain significance (1 of 4 stars; one submission).

Submission:

Labcorp Genetics (formerly Invitae), Labcorp
Classification: Uncertain significance. Last evaluated: 2026-01-15. Review status: criteria provided, single submitter. Criteria: Invitae Variant Classification Sherloc (09022015). Collection method: clinical testing. Allele origin: germline.
Comment: This sequence change affects codon 46 of the SDHAF1 mRNA. It is a 'silent' change, meaning that it does not change the encoded amino acid sequence of the SDHAF1 protein. The frequency data for this variant in the population databases is considered unreliable, as metrics indicate poor data quality at this position in the gnomAD database. This variant has not been reported in the literature in individuals affected with SDHAF1-related conditions. In summary, the available evidence is currently insufficient to determine the role of this variant in disease. Therefore, it has been classified as a Variant of Uncertain Significance.